The following is an entry in ClinVar:

NM_000159.4(GCDH):c.764C>T (p.Ser255Leu)

Gene: GCDH (glutaryl-CoA dehydrogenase; plus strand). Cytogenetic location: 19p13.13.
Variant type: single nucleotide variant.
Coding change: c.764C>T on transcript NM_000159.4 (MANE Select); coding-DNA position 764, C replaced by T.
Protein change: p.Ser255Leu; replaces serine 255 with leucine.
Molecular consequence: missense variant. On other transcripts: non-coding transcript variant (2).
Genome position (GRCh38, 1-based): chr19:12,896,333, C>T. VCF-style: chr19-12896333-C-T. GRCh37 (hg19) VCF-style: chr19-13007147-C-T.
Other names: c.764C>T, p.Ser255Leu (NM_013976.5); short protein forms S255L.
Identifiers: ClinVar variation 374435 (VCV000374435.61), dbSNP rs758503371, ClinGen allele CA9234481.

ClinVar aggregate classification (germline): Pathogenic/Likely pathogenic. Review status: criteria provided, multiple submitters, no conflicts (2 of 4 stars). 12 submissions from 12 submitters: Pathogenic (6); Likely pathogenic (5). 1 of the submissions does not count toward it. Last evaluated 2025-10-20.

Conditions:
Glutaric aciduria, type 1. Also called: Glutaryl-CoA dehydrogenase deficiency; Glutaricaciduria, type I; Glutaric acidemia type I; Glutaric Acidemia Type 1; Glutaricacidemia Type 1; GA I. Identifiers: Orphanet 25, MedGen C0268595, MONDO:0009281, OMIM 231670.

Allele frequency attached by ClinVar (database versions not stated): TOPMed below 0.00001; ExAC 0.00001; gnomAD 0.00001; gnomAD exomes 0.00001.

Submissions (12):

Natera, Inc.
Classification: Likely pathogenic for Glutaric acidemia type 1. Last evaluated: 2025-10-20. Review status: criteria provided, single submitter. Criteria: Natera Variant Classification Schema (03/2026). Collection method: clinical testing. Allele origin: germline.
Comment: The c.764C>T variant in GCDH is a missense variant predicted to cause substitution of serine to leucine at amino acid 255. This variant is rare in the general population with a frequency below the threshold expected for the associated phenotype(s). This variant has been observed in one or more individuals affected with the associated recessive disease, as either homozygous or compound heterozygous with a second variant (PMID: 27351573, 25762492, 10960496, 25204480). Additionally, this variant has been observed to segregate in affected family members (PMID: 10960496). Computational prediction algorithms indicate this variant is likely to affect gene or protein function. Given the available evidence, this variant is classified as Likely Pathogenic.

Myriad Genetics, Inc.
Classification: Likely pathogenic for Glutaric aciduria, type 1. Last evaluated: 2025-07-28. Review status: criteria provided, single submitter. Criteria: Myriad Autosomal Dominant, Autosomal Recessive and X-Linked Classification Criteria (2023). Collection method: clinical testing. Allele origin: unknown.
Comment: NM_000159.2(GCDH):c.764C>T(S255L) is a missense variant classified as likely pathogenic in the context of glutaric acidemia, GCDH-related. S255L has been observed in cases with relevant disease (PMID: 10960496, 19433275, 25204480, 25762492, 27351573). Relevant functional assessments of this variant are not available in the literature. S255L has been observed in referenced population frequency databases. In summary, NM_000159.2(GCDH):c.764C>T(S255L) is a missense variant that has been observed more frequently in cases with the relevant disease than in healthy populations. Please note: this variant was assessed in the context of healthy population screening.

Labcorp Genetics (formerly Invitae), Labcorp
Classification: Pathogenic for Glutaric aciduria, type 1. Last evaluated: 2024-11-15. Review status: criteria provided, single submitter. Criteria: Invitae Variant Classification Sherloc (09022015). Collection method: clinical testing. Allele origin: germline.
Comment: This sequence change replaces serine, which is neutral and polar, with leucine, which is neutral and non-polar, at codon 255 of the GCDH protein (p.Ser255Leu). This variant is present in population databases (rs758503371, gnomAD 0.006%). This missense change has been observed in individual(s) with glutaryl-CoA dehydrogenase deficiency (PMID: 10960496, 25204480, 25762492, 27351573). It has also been observed to segregate with disease in related individuals. ClinVar contains an entry for this variant (Variation ID: 374435). Invitae Evidence Modeling of protein sequence and biophysical properties (such as structural, functional, and spatial information, amino acid conservation, physicochemical variation, residue mobility, and thermodynamic stability) indicates that this missense variant is expected to disrupt GCDH protein function with a positive predictive value of 80%. For these reasons, this variant has been classified as Pathogenic.

Revvity Omics, Revvity
Classification: Likely pathogenic for Glutaric aciduria, type 1. Last evaluated: 2024-09-02. Review status: criteria provided, single submitter. Criteria: ACMG Guidelines, 2015. Collection method: clinical testing. Allele origin: germline.

Women's Health and Genetics/Laboratory Corporation of America, LabCorp
Classification: Pathogenic for Glutaric aciduria, type 1. Last evaluated: 2024-07-23. Review status: criteria provided, single submitter. Criteria: LabCorp Variant Classification Summary - May 2015. Collection method: clinical testing. Allele origin: germline.
Comment: Variant summary: GCDH c.764C>T (p.Ser255Leu) results in a non-conservative amino acid change located in the Acyl-CoA oxidase/dehydrogenase, middle domain (IPR006091) of the encoded protein sequence. Five of five in-silico tools predict a damaging effect of the variant on protein function. The variant allele was found at a frequency of 8e-06 in 251318 control chromosomes. c.764C>T has been reported in the literature in individuals affected with Glutaric Acidemia Type 1 (examples: Gupta_2015, Qian_2016, Busquets_2000). These data indicate that the variant is likely to be associated with disease. Different variant affecting this residue has been classified pathogenic in ClinVar (c.763T>C (p.Ser255Pro) ). The following publications have been ascertained in the context of this evaluation (PMID: 10960496, 27351573, 25762492). ClinVar contains an entry for this variant (Variation ID: 374435). Based on the evidence outlined above, the variant was classified as pathogenic.

Baylor Genetics
Classification: Pathogenic for Glutaric aciduria, type 1. Last evaluated: 2023-10-10. Review status: criteria provided, single submitter. Criteria: ACMG Guidelines, 2015. Collection method: clinical testing. Allele origin: unknown.

Neuberg Centre For Genomic Medicine, NCGM
Classification: Pathogenic for Glutaric aciduria, type 1. Last evaluated: 2023-05-20. Review status: criteria provided, single submitter. Criteria: ACMG Guidelines, 2015. Collection method: clinical testing. Allele origin: germline. Inheritance: Autosomal recessive inheritance. Affected: yes.
Comment: The observed missense c.764C>T(p.Ser255Leu)variant in GCDH gene has been reported in homozygous or compound heterozygous state in individual(s) affected with Glutaric Acidemia (Qian GL, et. al., 2016; Gupta N, et. al., 2015; Busquets C, et. al., 2000). This variant has been reported to segregate with disease in affected individuals (Qian GL, et. al., 2016). This p.Ser255Leu variant is present with an allele frequency of 0.0008% in gnomAD Exomes database. This variant has been suported to the ClinVar database as Likely pathogenic/Pathogenic. Multiple lines of computational evidence (Polyphen - probably damaging , SIFT - damaging and MutationTaster - disease causing) predict a damaging effect on protein structure and function for this variant. The amino acid change p.Ser255Leu in GCDH is predicted as conserved by GERP++ and PhyloP across 100 vertebrates. The amino acid Ser at position 255 is changed to a Leu changing protein sequence and it might alter its composition and physico-chemical properties. For these reasons, this variant has been classified as Pathogenic.

Laboratorio de Genetica e Diagnostico Molecular, Hospital Israelita Albert Einstein
Classification: Pathogenic for Glutaric aciduria, type 1. Last evaluated: 2022-03-17. Review status: criteria provided, single submitter. Criteria: ACMG Guidelines, 2015. Collection method: clinical testing. Allele origin: germline. Affected: yes. Observed: 1 variant allele.
Comment: ACMG classification criteria: PS4 strong, PM2, PM3 strong, PM5 moderated, PP1 supporting, PP3 supporting, PP4

Fulgent Genetics
Classification: Likely pathogenic for Glutaric aciduria, type 1. Last evaluated: 2018-10-31. Review status: criteria provided, single submitter. Criteria: ACMG Guidelines, 2015. Collection method: clinical testing. Allele origin: unknown.

CeGaT Center for Human Genetics Tuebingen
Classification: Likely pathogenic. Last evaluated: 2016-08-01. Review status: criteria provided, single submitter. Criteria: CeGaT Center For Human Genetics Tuebingen Variant Classification Criteria Version 2. Collection method: clinical testing. Allele origin: germline. Affected: yes. Observed: 1 variant allele.

Kariminejad - Najmabadi Pathology & Genetics Center
Classification: Pathogenic for Glutaric aciduria, type 1. Review status: criteria provided, single submitter. Criteria: ACMG Guidelines, 2015. Collection method: clinical testing. Allele origin: germline. Affected: no.

Counsyl
Classification: Likely pathogenic for Glutaric aciduria, type 1. Last evaluated: 2018-04-26. Review status: no assertion criteria provided. Collection method: clinical testing. Allele origin: unknown. Not counted in ClinVar's aggregate classification.

Literature cited by the submitters: PubMed 27351573 (cited by 5 submitters); PubMed 25762492 (cited by 5 submitters); PubMed 10960496 (cited by 5 submitters); PubMed 25204480 (cited by 4 submitters); PubMed 19433275 (cited by Myriad Genetics, Inc. and Counsyl).